The following is an entry in ClinVar:

ClinVar aggregate classification (germline): Uncertain significance (1 of 4 stars; one submission).

Conditions:
Charcot-Marie-Tooth disease type 2. Also called: Charcot-Marie-Tooth type 2. Identifiers: Orphanet 64746, MedGen C0270914, MONDO:0018993.

Submission:

Labcorp Genetics (formerly Invitae), Labcorp
Classification: Uncertain significance for Charcot-Marie-Tooth disease type 2. Last evaluated: 2024-08-24. Review status: criteria provided, single submitter. Criteria: Invitae Variant Classification Sherloc (09022015). Collection method: clinical testing. Allele origin: germline.
Comment: This sequence change replaces aspartic acid, which is acidic and polar, with glycine, which is neutral and non-polar, at codon 370 of the GARS protein (p.Asp370Gly). This variant is not present in population databases (gnomAD no frequency). This variant has not been reported in the literature in individuals affected with GARS-related conditions. Invitae Evidence Modeling of protein sequence and biophysical properties (such as structural, functional, and spatial information, amino acid conservation, physicochemical variation, residue mobility, and thermodynamic stability) indicates that this missense variant is not expected to disrupt GARS protein function with a negative predictive value of 80%. In summary, the available evidence is currently insufficient to determine the role of this variant in disease. Therefore, it has been classified as a Variant of Uncertain Significance.

NM_002047.4(GARS1):c.1109A>G (p.Asp370Gly)

Gene: GARS1 (glycyl-tRNA synthetase 1; plus strand). Cytogenetic location: 7p14.3.
Variant type: single nucleotide variant.
Coding change: c.1109A>G on transcript NM_002047.4 (MANE Select); coding-DNA position 1109, A replaced by G.
Protein change: p.Asp370Gly; replaces aspartic acid 370 with glycine.
Molecular consequence: missense variant.
Genome position (GRCh38, 1-based): chr7:30,615,973, A>G. VCF-style: chr7-30615973-A-G. GRCh37 (hg19) VCF-style: chr7-30655589-A-G.
Other names: c.947A>G, p.Asp316Gly (NM_001316772.1); short protein forms D316G, D370G.
Identifiers: ClinVar variation 2799454 (VCV002799454.3), dbSNP rs1584038152, ClinGen allele CA367126165.